The following is an entry in ClinVar:

ClinVar aggregate classification (germline): Pathogenic. Review status: reviewed by expert panel (3 of 4 stars). 7 submissions from 7 submitters: Pathogenic (1). 6 of the submissions do not count toward it. Last evaluated 2016-09-08.

Conditions:
Hereditary cancer-predisposing syndrome. Also called: Neoplastic Syndromes, Hereditary; Hereditary neoplastic syndrome; Tumor predisposition; Hereditary Cancer Syndrome. Identifiers: Orphanet 140162, MedGen C0027672, MeSH D009386, MONDO:0015356.
Hereditary breast ovarian cancer syndrome. Also called: Hereditary breast and/or ovarian cancer syndrome; Hereditary breast and ovarian cancer; Hereditary breast and ovarian cancer syndrome (HBOC); Breast and ovarian cancer; BRCA1- and BRCA2-Associated Hereditary Breast and Ovarian Cancer; Hereditary breast and ovarian cancer syndrome. Identifiers: Orphanet 145, MedGen C0677776, MeSH D061325, MONDO:0003582. Disease mechanism: loss of function.
Breast-ovarian cancer, familial, susceptibility to, 2 (BROVCA2). Also called: BRCA2 Hereditary Breast and Ovarian Cancer. Identifiers: Orphanet 145, MedGen C2675520, MONDO:0012933, OMIM 612555. Disease mechanism: loss of function.

Submissions (7):

Evidence-based Network for the Interpretation of Germline Mutant Alleles (ENIGMA)
Classification: Pathogenic for Breast-ovarian cancer, familial, susceptibility to, 2. Last evaluated: 2016-09-08. Review status: reviewed by expert panel. Criteria: ENIGMA BRCA1/2 Classification Criteria (2015). Collection method: curation. Allele origin: germline.
Comment: Variant allele predicted to encode a truncated non-functional protein.

Ambry Genetics
Classification: Pathogenic for Hereditary cancer-predisposing syndrome. Last evaluated: 2026-04-16. Review status: criteria provided, single submitter. Criteria: Ambry Variant Classification Scheme 2023. Collection method: clinical testing. Allele origin: germline. Not counted in ClinVar's aggregate classification.
Comment: The c.6202dupA pathogenic mutation, located in coding exon 10 of the BRCA2 gene, results from a duplication of A at nucleotide position 6202, causing a translational frameshift with a predicted alternate stop codon (p.I2068Nfs*10). This variant is considered to be rare based on population cohorts in the Genome Aggregation Database (gnomAD). This variant is expected to result in loss of function by premature protein truncation or nonsense-mediated mRNA decay. As such, this variant is interpreted as a disease-causing mutation.

Labcorp Genetics (formerly Invitae), Labcorp
Classification: Pathogenic for Hereditary breast ovarian cancer syndrome. Last evaluated: 2019-06-04. Review status: criteria provided, single submitter. Criteria: Invitae Variant Classification Sherloc (09022015). Collection method: clinical testing. Allele origin: germline. Not counted in ClinVar's aggregate classification.
Comment: For these reasons, this variant has been classified as Pathogenic. Loss-of-function variants in BRCA2 are known to be pathogenic (PMID: 20104584). This variant has been observed in individuals affected with or undergoing testing for hereditary breast and/or ovarian cnacer (PMID: 10449599, 26745875, 26014432, 29446198). This variant is also known as c.6431insA in the literature. ClinVar contains an entry for this variant (Variation ID: 52030). This variant is not present in population databases (ExAC no frequency). This sequence change creates a premature translational stop signal (p.Ile2068Asnfs*10) in the BRCA2 gene. It is expected to result in an absent or disrupted protein product.

Consortium of Investigators of Modifiers of BRCA1/2 (CIMBA), c/o University of Cambridge
Classification: Pathogenic for Breast-ovarian cancer, familial, susceptibility to, 2. Last evaluated: 2015-10-02. Review status: criteria provided, single submitter. Criteria: CIMBA Mutation Classification guidelines May 2016. Collection method: clinical testing. Allele origin: germline. Not counted in ClinVar's aggregate classification.

Genesis Genomics
Classification: Pathogenic for Breast-ovarian cancer, familial, susceptibility to, 2. Review status: criteria provided, single submitter. Criteria: ACMG Guidelines, 2015. Collection method: clinical testing. Allele origin: germline. Affected: yes. Observed: 1 variant allele. Not counted in ClinVar's aggregate classification.

Institute of Human Genetics, Medical University Innsbruck
Classification: Pathogenic for Breast-ovarian cancer, familial 2. Last evaluated: 2015-02-11. Review status: no assertion criteria provided. Criteria: clinical testing. Collection method: clinical testing. Allele origin: germline. Affected: yes. Study: BRCA-Tyrol. Not counted in ClinVar's aggregate classification.
Comment: BRCA-mutation spectrum Western Austria

Department of Pathology and Laboratory Medicine, Sinai Health System
Classification: Uncertain significance. Review status: no assertion criteria provided. Collection method: clinical testing. Allele origin: unknown. Affected: yes. Study: The Canadian Open Genetics Repository (COGR). Not counted in ClinVar's aggregate classification.

Literature cited by the submitters: PubMed 20104584 (cited by Labcorp Genetics (formerly Invitae), Labcorp); PubMed 10449599 (cited by Labcorp Genetics (formerly Invitae), Labcorp); PubMed 26745875 (cited by Labcorp Genetics (formerly Invitae), Labcorp); PubMed 26014432 (cited by Labcorp Genetics (formerly Invitae), Labcorp); PubMed 29446198 (cited by Labcorp Genetics (formerly Invitae), Labcorp).

NM_000059.4(BRCA2):c.6202dup (p.Ile2068fs)

Gene: BRCA2 (BRCA2 DNA repair associated; plus strand). Cytogenetic location: 13q13.1.
Variant type: Duplication.
Coding change: c.6202dup on transcript NM_000059.4 (MANE Select); coding-DNA position 6202, one base duplicated (A; older notation c.6202dupA).
Protein change: p.Ile2068fs; shifts the reading frame from isoleucine 2068.
Molecular consequence: frameshift variant.
Genome position (GRCh38, 1-based): chr13:32,340,557, A duplicated. VCF-style (leftmost placement, unchanged base first): chr13-32340556-C-CA. GRCh37 (hg19) VCF-style: chr13-32914693-C-CA.
Other names: c.6202dupA (NM_000059.3); short protein forms I2068fs.
Identifiers: ClinVar variation 52030 (VCV000052030.21), dbSNP rs397507833, ClinGen allele CA023740.